The following is an entry in ClinVar:

NM_139055.4(ADAMTS15):c.1723T>G (p.Ser575Ala)

Gene: ADAMTS15 (ADAM metallopeptidase with thrombospondin type 1 motif 15; plus strand). Cytogenetic location: 11q24.3.
Variant type: single nucleotide variant.
Coding change: c.1723T>G on transcript NM_139055.4 (MANE Select); coding-DNA position 1723, T replaced by G.
Protein change: p.Ser575Ala; replaces serine 575 with alanine.
Molecular consequence: missense variant.
Genome position (GRCh38, 1-based): chr11:130,470,922, T>G. VCF-style: chr11-130470922-T-G. GRCh37 (hg19) VCF-style: chr11-130340817-T-G.
Other names: short protein forms S575A.
Identifiers: ClinVar variation 5038915 (VCV005038915.1).

ClinVar aggregate classification (germline): Likely benign (1 of 4 stars; one submission).

gnomAD v4.1: 856 of 1,612,910 alleles (0.053%); highest among the groups gnomAD compares: East Asian, 1.4%; 8 homozygotes.

Submission:

CeGaT Center for Human Genetics Tuebingen
Classification: Likely benign. Last evaluated: 2026-07-01. Review status: criteria provided, single submitter. Criteria: CeGaT Center For Human Genetics Tuebingen Variant Classification Criteria Version 2. Collection method: clinical testing. Allele origin: germline. Affected: yes. Observed: 1 variant allele.
Comment: ADAMTS15: BS1